The following is an entry in ClinVar:

ClinVar aggregate classification (germline): Uncertain significance (1 of 4 stars; one submission).

Conditions:
RASopathy. Also called: rasopathies; Noonan spectrum disorder. Identifiers: Orphanet 536391, MedGen C5555857, MONDO:0021060.

Submission:

Labcorp Genetics (formerly Invitae), Labcorp
Classification: Uncertain significance for RASopathy. Last evaluated: 2025-07-02. Review status: criteria provided, single submitter. Criteria: Invitae Variant Classification Sherloc (09022015). Collection method: clinical testing. Allele origin: germline.
Comment: This sequence change falls in intron 8 of the SOS1 gene. It does not directly change the encoded amino acid sequence of the SOS1 protein. Information on the frequency of this variant in the gnomAD database is not available, as this variant may be reported differently in the database. This variant has not been reported in the literature in individuals affected with SOS1-related conditions. ClinVar contains an entry for this variant (Variation ID: 2056549). Experimental studies and prediction algorithms are not available or were not evaluated, and the effect of this variant on mRNA splicing is currently unknown. In summary, the available evidence is currently insufficient to determine the role of this variant in disease. Therefore, it has been classified as a Variant of Uncertain Significance.

NM_005633.4(SOS1):c.1074+12_1074+14delinsGAA

Gene: SOS1 (SOS Ras/Rac guanine nucleotide exchange factor 1; minus strand). Cytogenetic location: 2p22.1.
Variant type: Indel.
Coding change: c.1074+12_1074+14delinsGAA on transcript NM_005633.4 (MANE Select); bases 12 to 14 of the intron after coding-DNA position 1074, CTT replaced by GAA.
Molecular consequence: intron variant.
Genome position (GRCh38, 1-based): chr2:39,035,198-39,035,200, AAG replaced by TTC on the plus strand (CTT replaced by GAA on the coding strand, the reverse complement: SOS1 is on the minus strand). VCF-style: chr2-39035198-AAG-TTC. GRCh37 (hg19) VCF-style: chr2-39262339-AAG-TTC.
Other names: c.1053+12_1053+14delinsGAA (NM_001382394.1); c.1074+12_1074+14delinsGAA (NM_001382395.1).
Identifiers: ClinVar variation 2056549 (VCV002056549.4), dbSNP rs2529091796, ClinGen allele CA2580066430.